The following is an entry in ClinVar:

NM_001009944.3(PKD1):c.12054_12055del (p.Leu4019fs)

Gene: PKD1 (polycystin 1, transient receptor potential channel interacting; minus strand). Cytogenetic location: 16p13.3.
Variant type: Deletion.
Coding change: c.12054_12055del on transcript NM_001009944.3 (MANE Select); coding-DNA positions 12054 to 12055, 2 bases deleted (AT; older notation c.12054_12055delAT).
Protein change: p.Leu4019fs; shifts the reading frame from leucine 4019.
Molecular consequence: frameshift variant.
Genome position (GRCh38, 1-based): chr16:2,090,757-2,090,758, AT deleted on the plus strand (AT on the coding strand, the reverse complement: PKD1 is on the minus strand). VCF-style (leftmost placement, unchanged base first): chr16-2090756-AAT-A. GRCh37 (hg19) VCF-style: chr16-2140757-AAT-A.
Other names: c.12051_12052del, p.Leu4018fs (NM_000296.4); short protein forms L4018fs, L4019fs.
Identifiers: ClinVar variation 3255031 (VCV003255031.3), dbSNP rs2544593424.

ClinVar aggregate classification (germline): Pathogenic. Review status: criteria provided, multiple submitters, no conflicts (2 of 4 stars). 2 submissions from 2 submitters: Pathogenic (2). Last evaluated 2023-12-21.

Conditions:
Polycystic kidney disease, adult type (PKD1). Also called: POLYCYSTIC KIDNEY DISEASE 1 WITH OR WITHOUT POLYCYSTIC LIVER DISEASE; Polycystic Kidney Disease 1, Autosomal Dominant; Polycystic kidney disease 1; Polycystic kidney disease 1, severe; Polycystic Kidney, Autosomal Dominant; POLYCYSTIC KIDNEY DISEASE, ADULT, TYPE I. Identifiers: MedGen C3149841, MONDO:0008263, OMIM 173900.

Submissions (2):

Victorian Clinical Genetics Services, Murdoch Childrens Research Institute
Classification: Pathogenic for Polycystic kidney disease, adult type. Last evaluated: 2023-12-21. Review status: criteria provided, single submitter. Criteria: ACMG Guidelines, 2015. Collection method: clinical testing. Allele origin: germline. Inheritance: Autosomal dominant inheritance. Affected: yes.
Comment: Based on the classification scheme VCGS_Germline_v1.3.4, this variant is classified as Pathogenic. Following criteria are met: 0102 - Loss of function is a known mechanism of disease in this gene and is associated with polycystic kidney disease 1 (MIM#173900). (I) 0107 - This gene is associated with autosomal dominant disease. Polycystic kidney disease 1 (MIM#173900) is predominantly caused by monoallelic variants, with rare reports of biallelic variants causing disease (OMIM). (I) 0205 - Variant is predicted to result in a truncated protein (premature termination codon is NOT located at least 54 nucleotides upstream of the final exon-exon junction) with less than 1/3 of the protein sequence affected. (SP) 0251 - This variant is heterozygous. (I) 0301 - Variant is absent from gnomAD (both v2 and v3). (SP) 0600 - Variant affects part of the polycystin cation channel (DECIPHER). (I) 0701 - Other downstream truncating variants comparable to the one identified in this case have very strong previous evidence for pathogenicity (DECIPHER). (SP) 0807 - This variant has no previous evidence of pathogenicity. (I) 0905 - No published segregation evidence has been identified for this variant. (I) 1007 - No published functional evidence has been identified for this variant. (I) 1208 - Inheritance information for this variant is not currently available in this individual. (I) Legend: (SP) - Supporting pathogenic, (I) - Information, (SB) - Supporting benign

Juno Genomics, Hangzhou Juno Genomics, Inc
Classification: Pathogenic for Polycystic kidney disease, adult type. Review status: criteria provided, single submitter. Criteria: ACMG Guidelines, 2015. Collection method: clinical testing. Allele origin: germline.
Comment: Absent from controls (or at extremely low frequency if recessive) in Genome Aggregation Database.;Null variant in a gene where loss of function (LOF) is a known mechanism of disease.;Patient's phenotype or family history is highly specific for a disease with a single genetic etiology.